The following is an entry in ClinVar:

ClinVar aggregate classification (germline): Uncertain significance (1 of 4 stars; one submission).

Conditions:
Cranioectodermal dysplasia 4 (CED4). Identifiers: Orphanet 1515, MedGen C3280616, MONDO:0013719, OMIM 614378.

Allele frequency attached by ClinVar (database versions not stated): gnomAD exomes below 0.00001; TOPMed below 0.00001; gnomAD 0.00001.

Submission:

Centre for Mendelian Genomics, University Medical Centre Ljubljana
Classification: Uncertain significance for Cranioectodermal dysplasia 4. Last evaluated: 2016-01-01. Review status: criteria provided, single submitter. Criteria: ACMG Guidelines, 2015. Collection method: clinical testing. Allele origin: unknown. Affected: yes.
Comment: This variant was classified as: Uncertain significance. The following ACMG criteria were applied in classifying this variant: PM2,PP3.

NM_025132.4(WDR19):c.291-12_291-11del

Gene: WDR19 (WD repeat domain 19; plus strand). Cytogenetic location: 4p14.
Variant type: Deletion.
Coding change: c.291-12_291-11del on transcript NM_025132.4 (MANE Select); 12 bases into the intron before coding-DNA position 291 through 11 bases into the intron before coding-DNA position 291, 2 bases deleted (TT; older notation c.291-12_291-11delTT).
Molecular consequence: intron variant.
Genome position (GRCh38, 1-based): chr4:39,194,532-39,194,533, TT deleted. VCF-style (leftmost placement, unchanged base first): chr4-39194531-CTT-C. GRCh37 (hg19) VCF-style: chr4-39196151-CTT-C.
Other names: c.-75+4751_-75+4752del (NM_001317924.2).
Identifiers: ClinVar variation 930989 (VCV000930989.3), dbSNP rs1324399102, ClinGen allele CA550722282.